The following is an entry in ClinVar:

ClinVar aggregate classification (germline): Likely benign. Review status: criteria provided, multiple submitters, no conflicts (2 of 4 stars). 3 submissions from 3 submitters: Likely benign (2). 1 of the submissions does not count toward it. Last evaluated 2026-03-01.

Conditions:
Nemaline myopathy 2 (NEM2). Also called: Nemaline myopathy 2, autosomal recessive. Identifiers: MedGen C1850569, MONDO:0009725, OMIM 256030.

Allele frequency attached by ClinVar (database versions not stated): gnomAD exomes 0.00001 and 0.00004; ExAC 0.00002; TOPMed 0.00002.
gnomAD v4.1: 10 of 1,584,264 alleles (0.00063%); highest among the groups gnomAD compares: Admixed American, 0.017%; no homozygotes.

Submissions (3):

CeGaT Center for Human Genetics Tuebingen
Classification: Likely benign. Last evaluated: 2026-03-01. Review status: criteria provided, single submitter. Criteria: CeGaT Center For Human Genetics Tuebingen Variant Classification Criteria Version 2. Collection method: clinical testing. Allele origin: germline. Affected: yes. Observed: 1 variant allele.
Comment: NEB: BP4, BP7

Labcorp Genetics (formerly Invitae), Labcorp
Classification: Likely benign for Nemaline myopathy 2. Last evaluated: 2025-12-28. Review status: criteria provided, single submitter. Criteria: Invitae Variant Classification Sherloc (09022015). Collection method: clinical testing. Allele origin: germline.

Natera, Inc.
Classification: Uncertain significance for Nemaline myopathy type 2. Last evaluated: 2020-02-13. Review status: no assertion criteria provided. Collection method: clinical testing. Allele origin: germline. Not counted in ClinVar's aggregate classification.

NM_001164508.2(NEB):c.19110T>C (p.Tyr6370=)

Gene: NEB (nebulin; minus strand). Cytogenetic location: 2q23.3.
Variant type: single nucleotide variant.
Coding change: c.19110T>C on transcript NM_001164508.2 (MANE Select); coding-DNA position 19110, T replaced by C.
Protein change: p.Tyr6370=; no amino-acid change (tyrosine 6370 retained).
Molecular consequence: synonymous variant.
Genome position (GRCh38, 1-based): chr2:151,561,100, A>G on the plus strand (T>C on the coding strand, the complement: NEB is on the minus strand). VCF-style: chr2-151561100-A-G. GRCh37 (hg19) VCF-style: chr2-152417614-A-G.
Other names: c.19110T>C, p.Tyr6370= (NM_001164507.2, NM_001271208.2); c.14007T>C, p.Tyr4669= (NM_004543.5).
Identifiers: ClinVar variation 733463 (VCV000733463.14), dbSNP rs771969348, ClinGen allele CA1907756.